The following is an entry in ClinVar:

NM_001172509.2(SATB2):c.776A>G (p.Asn259Ser)

Gene: SATB2 (SATB homeobox 2; minus strand). Cytogenetic location: 2q33.1.
Variant type: single nucleotide variant.
Coding change: c.776A>G on transcript NM_001172509.2 (MANE Select); coding-DNA position 776, A replaced by G.
Protein change: p.Asn259Ser; replaces asparagine 259 with serine.
Molecular consequence: missense variant.
Genome position (GRCh38, 1-based): chr2:199,349,098, T>C on the plus strand (A>G on the coding strand, the complement: SATB2 is on the minus strand). VCF-style: chr2-199349098-T-C. GRCh37 (hg19) VCF-style: chr2-200213821-T-C.
Other names: c.776A>G, p.Asn259Ser (NM_001172517.1, NM_015265.4); short protein forms N259S.
Identifiers: ClinVar variation 2635530 (VCV002635530.1), dbSNP rs2105823512, ClinGen allele CA350388162.

ClinVar aggregate classification (germline): Uncertain significance (1 of 4 stars; one submission).

Conditions:
SATB2-related disorder. Also called: SATB2-related condition.

Allele frequency attached by ClinVar (database versions not stated): gnomAD exomes below 0.00001.
gnomAD v4.1: 1 of 1,614,070 alleles (0.000062%); highest among the groups gnomAD compares: East Asian, 0.0022%; no homozygotes.

Submission:

PreventionGenetics, part of Exact Sciences
Classification: Uncertain significance for SATB2-related condition. Last evaluated: 2022-12-05. Review status: criteria provided, single submitter. Criteria: ACMG Guidelines, 2015. Collection method: clinical testing. Allele origin: germline.
Comment: The SATB2 c.776A>G variant is predicted to result in the amino acid substitution p.Asn259Ser. To our knowledge, this variant has not been reported in the literature or in a large population database, indicating this variant is rare. At this time, the clinical significance of this variant is uncertain due to the absence of conclusive functional and genetic evidence.